The following is an entry in ClinVar:

ClinVar aggregate classification (germline): Likely benign. Review status: criteria provided, multiple submitters, no conflicts (2 of 4 stars). 3 submissions from 3 submitters: Likely benign (2). 1 of the submissions does not count toward it. Last evaluated 2026-01-12.

Allele frequency attached by ClinVar (database versions not stated): gnomAD exomes below 0.00001; ExAC 0.00001.
gnomAD v4.1: 6 of 1,611,146 alleles (0.00037%); highest among the groups gnomAD compares: South Asian, 0.0011%; no homozygotes.

Submissions (3):

Labcorp Genetics (formerly Invitae), Labcorp
Classification: Likely benign. Last evaluated: 2026-01-12. Review status: criteria provided, single submitter. Criteria: Invitae Variant Classification Sherloc (09022015). Collection method: clinical testing. Allele origin: germline.

Women's Health and Genetics/Laboratory Corporation of America, LabCorp
Classification: Likely benign. Last evaluated: 2023-08-01. Review status: criteria provided, single submitter. Criteria: LabCorp Variant Classification Summary - May 2015. Collection method: clinical testing. Allele origin: germline.

Department of Pathology and Laboratory Medicine, Sinai Health System
Classification: Uncertain significance. Review status: no assertion criteria provided. Collection method: clinical testing. Allele origin: unknown. Affected: yes. Study: The Canadian Open Genetics Repository (COGR). Not counted in ClinVar's aggregate classification.
Comment: The ADGRV1 p.Thr4556Thr variant was not identified in the literature nor was it identified in ClinVar, Cosmic or LOVD 3.0. The variant was identified in dbSNP (ID: rs758546069) and in control databases in 1 of 247558 chromosomes at a frequency of 0.000004 (Genome Aggregation Database Feb 27, 2017). The variant was observed in the following population: South Asian in 1 of 30280 chromosomes (freq: 0.000033), while the variant was not observed in the African, Latino, Ashkenazi Jewish, East Asian, European (Finnish), European (non-Finnish), and Other populations. The p.Thr4556Thr variant is not expected to have clinical significance because it does not result in a change of amino acid and is not located in a known consensus splice site. The variant occurs outside of the splicing consensus sequence and 2 of 4 in silico or computational prediction software programs (SpliceSiteFinder, MaxEntScan) predict a greater than 10% difference in splicing; this is not very predictive of pathogenicity. In summary, based on the above information the clinical significance of this variant cannot be determined with certainty at this time. This variant is classified as a variant of uncertain significance.

NM_032119.4(ADGRV1):c.13668A>G (p.Thr4556=)

Gene: ADGRV1 (adhesion G protein-coupled receptor V1; plus strand). Cytogenetic location: 5q14.3.
Variant type: single nucleotide variant.
Coding change: c.13668A>G on transcript NM_032119.4 (MANE Select); coding-DNA position 13668, A replaced by G.
Protein change: p.Thr4556=; no amino-acid change (threonine 4556 retained).
Molecular consequence: synonymous variant. On other transcripts: non-coding transcript variant (1).
Genome position (GRCh38, 1-based): chr5:90,788,085, A>G. VCF-style: chr5-90788085-A-G. GRCh37 (hg19) VCF-style: chr5-90083902-A-G.
Other names: c.13668A>G (NM_032119.3).
Identifiers: ClinVar variation 1049729 (VCV001049729.5), dbSNP rs758546069, ClinGen allele CA3341586.